The following is an entry in ClinVar:

ClinVar aggregate classification (germline): Likely benign. Review status: criteria provided, multiple submitters, no conflicts (2 of 4 stars). 3 submissions from 3 submitters: Likely benign (3). Last evaluated 2024-02-09.

Conditions:
Catecholaminergic polymorphic ventricular tachycardia 1. Also called: RYR2-Related Catecholaminergic Polymorphic Ventricular Tachycardia; VENTRICULAR TACHYCARDIA, CATECHOLAMINERGIC POLYMORPHIC, 1, WITH OR WITHOUT ATRIAL DYSFUNCTION AND/OR DILATED CARDIOMYOPATHY; VENTRICULAR TACHYCARDIA, STRESS-INDUCED POLYMORPHIC 1. Identifiers: Orphanet 3286, MedGen C1631597, MONDO:0011484, OMIM 604772.
Cardiomyopathy (CMYO). Also called: Cardiomyopathies. Identifiers: Orphanet 167848, MedGen C0878544, MONDO:0004994, HP:0001638. Inheritance: Various modes of inheritance.
Catecholaminergic polymorphic ventricular tachycardia (CVPT). Also called: Catecholamine-induced polymorphic ventricular tachycardia. Identifiers: Orphanet 3286, MedGen C5574922, MONDO:0017990.

Allele frequency attached by ClinVar (database versions not stated): gnomAD 0.00001.
gnomAD v4.1: 27 of 1,601,740 alleles (0.0017%); highest among the groups gnomAD compares: Non-Finnish European, 0.0023%; no homozygotes.

Submissions (3):

Labcorp Genetics (formerly Invitae), Labcorp
Classification: Likely benign for Catecholaminergic polymorphic ventricular tachycardia 1. Last evaluated: 2024-02-09. Review status: criteria provided, single submitter. Criteria: Invitae Variant Classification Sherloc (09022015). Collection method: clinical testing. Allele origin: germline.

All of Us Research Program, National Institutes of Health
Classification: Likely benign for Catecholaminergic polymorphic ventricular tachycardia. Last evaluated: 2023-10-02. Review status: criteria provided, single submitter. Criteria: ACMG Guidelines, 2015. Collection method: clinical testing. Allele origin: germline. Inheritance: Autosomal dominant inheritance. Observed: 1 variant allele, 1 heterozygote.
Comment: This study involves interpretation of variants in research participants for the purpose of population health screening. Participant phenotype was not available at the time of variant classification. Additional details can be found in publication PMID: 35346344, PMCID: PMC8962531

Color Diagnostics, LLC DBA Color Health
Classification: Likely benign for Cardiomyopathy. Last evaluated: 2023-01-05. Review status: criteria provided, single submitter. Criteria: ACMG Guidelines, 2015. Collection method: clinical testing. Allele origin: germline.

NM_001035.3(RYR2):c.14434-15A>G

Gene: RYR2 (ryanodine receptor 2; plus strand). Cytogenetic location: 1q43.
Variant type: single nucleotide variant.
Coding change: c.14434-15A>G on transcript NM_001035.3 (MANE Select); 15 bases into the intron before coding-DNA position 14434, A replaced by G.
Molecular consequence: intron variant.
Genome position (GRCh38, 1-based): chr1:237,819,021, A>G. VCF-style: chr1-237819021-A-G. GRCh37 (hg19) VCF-style: chr1-237982321-A-G.
Identifiers: ClinVar variation 2806031 (VCV002806031.5), dbSNP rs1414554358, ClinGen allele CA733322386.